The following is an entry in ClinVar:

NM_003741.4(CHRD):c.468G>C (p.Gly156=)

Gene: CHRD (chordin; plus strand). Cytogenetic location: 3q27.1.
Variant type: single nucleotide variant.
Coding change: c.468G>C on transcript NM_003741.4 (MANE Select); coding-DNA position 468, G replaced by C.
Protein change: p.Gly156=; no amino-acid change (glycine 156 retained).
Molecular consequence: synonymous variant. On other transcripts: 5 prime UTR variant (2), non-coding transcript variant (1).
Genome position (GRCh38, 1-based): chr3:184,381,581, G>C. VCF-style: chr3-184381581-G-C. GRCh37 (hg19) VCF-style: chr3-184099369-G-C.
Other names: c.468G>C, p.Gly156= (NM_001304472.2); c.-614G>C (NM_001304473.2, NM_001304474.2).
Identifiers: ClinVar variation 4874901 (VCV004874901.2).
Genomic context (GRCh38, chr3:184,381,581, plus strand): 5'-GAGCGGCCTGTCCTTCGAGTATCCGCGGGACCCGGAGCATCGCAGTTATAGCGACCGCGG[G>C]GAGCCAGGCGCTGAGGAGCGGGCCCGTGGTGACGGCCACACGGGTAGGGGGCTGGCGAAC-3'
Protein context (NP_003732.2, residues 146-166): DPEHRSYSDR[Gly156=]EPGAEERARG

ClinVar aggregate classification (germline): Likely benign (1 of 4 stars; one submission).

gnomAD v4.1: 13 of 1,608,562 alleles (0.00081%); highest among the groups gnomAD compares: Admixed American, 0.0017%; no homozygotes.

Submission:

CeGaT Center for Human Genetics Tuebingen
Classification: Likely benign. Last evaluated: 2026-05-01. Review status: criteria provided, single submitter. Criteria: CeGaT Center For Human Genetics Tuebingen Variant Classification Criteria Version 2. Collection method: clinical testing. Allele origin: germline. Affected: yes. Observed: 1 variant allele.
Comment: CHRD: BP4, BP7